The following is an entry in ClinVar:

ClinVar aggregate classification (germline): Uncertain significance (1 of 4 stars; one submission).

Conditions:
Megalencephaly-polymicrogyria-polydactyly-hydrocephalus syndrome 2 (MPPH2). Also called: MEGALENCEPHALY-POLYMICROGYRIA-POLYDACTYLY-HYDROCEPHALUS SYNDROME 2, SOMATIC. Identifiers: Orphanet 83473, MedGen C4014738, MONDO:0014407, OMIM 615937.

Submission:

3billion
Classification: Uncertain significance for Megalencephaly-polymicrogyria-polydactyly-hydrocephalus syndrome 2. Last evaluated: 2024-08-05. Review status: criteria provided, single submitter. Criteria: ACMG Guidelines, 2015. Collection method: clinical testing. Allele origin: germline. Affected: yes.
Comment: The variant is not observed in the gnomAD v4.0.0 dataset. Predicted Consequence/Location: The variant is located in a mutational hot spot and/or well-established functional domain in which established pathogenic variants have been reported (PMID: 28969385). Missense changes are a common disease-causing mechanism. In silico tool predictions suggest damaging effect of the variant on gene or gene product [REVEL: 0.72 (>=0.6, sensitivity 0.68 and specificity 0.92); 3Cnet: 0.74 (>=0.6, sensitivity 0.72 and precision 0.9)]. The variant has been reported as of uncertain significance (ClinVar ID: VCV001803609) Therefore, this variant is classified as VUS according to the recommendation of ACMG/AMP guideline.

NM_005465.7(AKT3):c.838G>T (p.Asp280Tyr)

Gene: AKT3 (AKT serine/threonine kinase 3; minus strand). Cytogenetic location: 1q44.
Variant type: single nucleotide variant.
Coding change: c.838G>T on transcript NM_005465.7 (MANE Select); coding-DNA position 838, G replaced by T.
Protein change: p.Asp280Tyr; replaces aspartic acid 280 with tyrosine.
Molecular consequence: missense variant.
Genome position (GRCh38, 1-based): chr1:243,563,830, C>A on the plus strand (G>T on the coding strand, the complement: AKT3 is on the minus strand). VCF-style: chr1-243563830-C-A. GRCh37 (hg19) VCF-style: chr1-243727132-C-A.
Other names: c.838G>T, p.Asp280Tyr (NM_001206729.2, NM_001370074.1, NM_181690.2); short protein forms D280Y.
Identifiers: ClinVar variation 4292381 (VCV004292381.1).
Genomic context (GRCh38, chr1:243,563,830, plus strand): 5'-CATCTGTGATCCCTTCTTTGCAAAGTCCAAAATCTGTAATTTTTATGTGGCCATCTTTGT[C>A]CAGCATTAGATTCTCCAACTGTGTATTAAGAAAAATGACATAATTTGTTCTATAGTCTTC-3'
Protein context (NP_005456.1, residues 270-290): RDLKLENLML[Asp280Tyr]KDGHIKITDF